The following is an entry in ClinVar:

NM_001012614.2(CTBP1):c.598G>A (p.Val200Met)

Genes: CTBP1 (C-terminal binding protein 1; minus strand), CTBP1-AS (CTBP1 antisense RNA; plus strand). Cytogenetic location: 4p16.3.
Variant type: single nucleotide variant.
Coding change: c.598G>A on transcript NM_001012614.2 (MANE Select); coding-DNA position 598, G replaced by A.
Protein change: p.Val200Met; replaces valine 200 with methionine.
Molecular consequence: missense variant. On other transcripts: non-coding transcript variant (1).
Genome position (GRCh38, 1-based): chr4:1,216,122, C>T on the plus strand (G>A on the coding strand, the complement: CTBP1 is on the minus strand). VCF-style: chr4-1216122-C-T. GRCh37 (hg19) VCF-style: chr4-1209910-C-T.
Other names: p.Val211Met; c.631G>A, p.Val211Met (NM_001328.3, NM_001377186.1); c.598G>A, p.Val200Met (NM_001377187.1, NM_001377188.1, NM_001377189.1 and 4 more transcripts); short protein forms V211M, V200M.
Identifiers: ClinVar variation 2364506 (VCV002364506.6), dbSNP rs750112627, ClinGen allele CA2804353.

ClinVar aggregate classification (germline): Conflicting classifications of pathogenicity. Review status: criteria provided, conflicting classifications (1 of 4 stars). 3 submissions from 3 submitters: Uncertain significance (1); Benign (1); Likely benign (1). Last evaluated 2025-10-17.

Conditions:
Inborn genetic diseases. Identifiers: MedGen C0950123, MeSH D030342.

Allele frequency attached by ClinVar (database versions not stated): gnomAD 0.00003; TOPMed 0.00004; ExAC 0.00007.
gnomAD v4.1: 43 of 1,611,268 alleles (0.0027%); highest among the groups gnomAD compares: South Asian, 0.0099%; 1 homozygote.

Submissions (3):

Mayo Clinic Laboratories, Mayo Clinic
Classification: Likely benign. Last evaluated: 2025-10-17. Review status: criteria provided, single submitter. Criteria: ACMG Guidelines, 2015. Collection method: clinical testing. Allele origin: germline. Observed: 1 variant allele.
Comment: BS2, BP4

Labcorp Genetics (formerly Invitae), Labcorp
Classification: Benign. Last evaluated: 2023-08-04. Review status: criteria provided, single submitter. Criteria: Invitae Variant Classification Sherloc (09022015). Collection method: clinical testing. Allele origin: germline.

Ambry Genetics
Classification: Uncertain significance for Inborn genetic diseases. Last evaluated: 2022-06-28. Review status: criteria provided, single submitter. Criteria: Ambry Variant Classification Scheme 2023. Collection method: clinical testing. Allele origin: germline.